The following is an entry in ClinVar:

NM_005188.4(CBL):c.56G>T (p.Gly19Val)

Genes: CBL (Cbl proto-oncogene; plus strand), LOC130006895 (ATAC-STARR-seq lymphoblastoid silent region 3975; plus strand). Cytogenetic location: 11q23.3.
Variant type: single nucleotide variant.
Coding change: c.56G>T on transcript NM_005188.4 (MANE Select); coding-DNA position 56, G replaced by T.
Protein change: p.Gly19Val; replaces glycine 19 with valine.
Molecular consequence: missense variant.
Genome position (GRCh38, 1-based): chr11:119,206,473, G>T. VCF-style: chr11-119206473-G-T. GRCh37 (hg19) VCF-style: chr11-119077183-G-T.
Other names: c.56G>T (NM_005188.2); short protein forms G19V.
Identifiers: ClinVar variation 4078195 (VCV004078195.2).

ClinVar aggregate classification (germline): Uncertain significance. Review status: criteria provided, multiple submitters, no conflicts (2 of 4 stars). 2 submissions from 2 submitters: Uncertain significance (2). Last evaluated 2025-09-11.

Conditions:
Cardiovascular phenotype. Identifiers: MedGen CN230736.

gnomAD v4.1: 1 of 1,577,216 alleles (0.000063%); no homozygotes.

Submissions (2):

Ambry Genetics
Classification: Uncertain significance for Cardiovascular phenotype. Last evaluated: 2025-09-11. Review status: criteria provided, single submitter. Criteria: Ambry Variant Classification Scheme 2023. Collection method: clinical testing. Allele origin: germline.
Comment: The p.G19V variant (also known as c.56G>T), located in coding exon 1 of the CBL gene, results from a G to T substitution at nucleotide position 56. The glycine at codon 19 is replaced by valine, an amino acid with dissimilar properties. This amino acid position is conserved. In addition, this alteration is predicted to be tolerated by in silico analysis. Based on the available evidence, the clinical significance of this variant remains unclear.

Revvity Omics, Revvity
Classification: Uncertain significance. Last evaluated: 2023-08-31. Review status: criteria provided, single submitter. Criteria: ACMG Guidelines, 2015. Collection method: clinical testing. Allele origin: germline.